The following is an entry in ClinVar:

NM_000478.6(ALPL):c.1343C>T (p.Pro448Leu)

Gene: ALPL (alkaline phosphatase, biomineralization associated; plus strand). Cytogenetic location: 1p36.12.
Variant type: single nucleotide variant.
Coding change: c.1343C>T on transcript NM_000478.6 (MANE Select); coding-DNA position 1343, C replaced by T.
Protein change: p.Pro448Leu; replaces proline 448 with leucine.
Molecular consequence: missense variant.
Genome position (GRCh38, 1-based): chr1:21,577,416, C>T. VCF-style: chr1-21577416-C-T. GRCh37 (hg19) VCF-style: chr1-21903909-C-T.
Other names: c.1178C>T, p.Pro393Leu (NM_001127501.4); c.1112C>T, p.Pro371Leu (NM_001177520.3); c.1343C>T, p.Pro448Leu (NM_001369803.2, NM_001369804.2, NM_001369805.2); short protein forms P448L, P393L, P371L.
Identifiers: ClinVar variation 429423 (VCV000429423.4), dbSNP rs1131691372, ClinGen allele CA338882003.

ClinVar aggregate classification (germline): Conflicting classifications of pathogenicity. Review status: criteria provided, conflicting classifications (1 of 4 stars). 2 submissions from 2 submitters: Likely pathogenic (1); Uncertain significance (1). Last evaluated 2019-10-21.

Submissions (2):

Labcorp Genetics (formerly Invitae), Labcorp
Classification: Uncertain significance. Last evaluated: 2019-10-21. Review status: criteria provided, single submitter. Criteria: Invitae Variant Classification Sherloc (09022015). Collection method: clinical testing. Allele origin: germline.
Comment: This sequence change replaces proline with leucine at codon 448 of the ALPL protein (p.Pro448Leu). The proline residue is moderately conserved and there is a moderate physicochemical difference between proline and leucine. This variant is not present in population databases (ExAC no frequency). This variant has not been reported in the literature in individuals with ALPL-related conditions. ClinVar contains an entry for this variant (Variation ID: 429423). Algorithms developed to predict the effect of missense changes on protein structure and function are either unavailable or do not agree on the potential impact of this missense change (SIFT: "Not Available"; PolyPhen-2: "Probably Damaging"; Align-GVGD: "Not Available"). In summary, the available evidence is currently insufficient to determine the role of this variant in disease. Therefore, it has been classified as a Variant of Uncertain Significance.

GeneDx
Classification: Likely pathogenic. Last evaluated: 2015-08-25. Review status: criteria provided, single submitter. Criteria: GeneDx Variant Classification (06012015). Collection method: clinical testing. Allele origin: germline. Affected: yes.
Comment: The P448L variant in the ALPL gene has not been published as a pathogenic variant, nor has it been reported as a benign polymorphism to our knowledge. The P448L variant was not observed in approximately 6,500 individuals of European and African American ancestry in the NHLBI Exome Sequencing Project, indicating it is not a common benign variant in these populations. The P448L variant is a semi-conservative amino acid substitution, which may impact secondary protein structure as these residues differ in some properties. This substitution occurs at a position that is conserved across species. In silico analysis predicts this variant is probably damaging to the protein structure/function. Missense variants in nearby residues (S445P, A446G, R450C, R450H, E452K) have been reported in the Human Gene Mutation Database in association with hypophosphatasia (Stenson et al., 2014), supporting the functional importance of this region of the protein. The P448L variant is a strong candidate for a disease-causing variant, however the possibility it may be a rare benign variant cannot be excluded